The following is an entry in ClinVar:

ClinVar aggregate classification (germline): Likely pathogenic (1 of 4 stars; one submission).

Submission:

Labcorp Genetics (formerly Invitae), Labcorp
Classification: Likely pathogenic. Last evaluated: 2022-09-04. Review status: criteria provided, single submitter. Criteria: Invitae Variant Classification Sherloc (09022015). Collection method: clinical testing. Allele origin: germline.
Comment: In summary, the currently available evidence indicates that the variant is pathogenic, but additional data are needed to prove that conclusively. Therefore, this variant has been classified as Likely Pathogenic. Algorithms developed to predict the effect of sequence changes on RNA splicing suggest that this variant may disrupt the consensus splice site. This variant has not been reported in the literature in individuals affected with VPS13A-related conditions. This variant is not present in population databases (gnomAD no frequency). This sequence change affects a donor splice site in intron 11 of the VPS13A gene. It is expected to disrupt RNA splicing. Variants that disrupt the donor or acceptor splice site typically lead to a loss of protein function (PMID: 16199547), and loss-of-function variants in VPS13A are known to be pathogenic (PMID: 12404112, 21598378).

Literature cited by the submitters: PubMed 16199547; PubMed 12404112; PubMed 21598378.

NM_033305.3(VPS13A):c.882+1G>A

Gene: VPS13A (vacuolar protein sorting 13 homolog A; plus strand). Cytogenetic location: 9q21.2.
Variant type: single nucleotide variant.
Coding change: c.882+1G>A on transcript NM_033305.3 (MANE Select); the canonical splice donor site of the intron after coding-DNA position 882, G replaced by A.
Molecular consequence: splice donor variant.
Genome position (GRCh38, 1-based): chr9:77,220,082, G>A. VCF-style: chr9-77220082-G-A. GRCh37 (hg19) VCF-style: chr9-79834998-G-A.
Other names: c.882+1G>A (NM_001018037.2, NM_015186.4, NM_001018038.3).
Identifiers: ClinVar variation 2029033 (VCV002029033.4), dbSNP rs2537596293, ClinGen allele CA373843294.